The following is an entry in ClinVar:

NC_000023.11:g.101841477C>T

Gene: NXF5 (nuclear RNA export factor 5; minus strand). Cytogenetic location: Xq22.1.
Variant type: single nucleotide variant.
Genome position: GRCh38 VCF-style: chrX-101841477-C-T. GRCh37 (hg19) VCF-style: chrX-101096449-C-T.
Identifiers: ClinVar variation 2888029 (VCV002888029.3), dbSNP rs751729012, ClinGen allele CA10474673.

ClinVar aggregate classification (germline): Uncertain significance (1 of 4 stars; one submission).

Allele frequency attached by ClinVar (database versions not stated): gnomAD 0.00001; gnomAD exomes 0.00002; TOPMed 0.00002; ExAC 0.00006.

Submission:

Labcorp Genetics (formerly Invitae), Labcorp
Classification: Uncertain significance. Last evaluated: 2024-10-29. Review status: criteria provided, single submitter. Criteria: Invitae Variant Classification Sherloc (09022015). Collection method: clinical testing. Allele origin: germline.
Comment: This sequence change affects a donor splice site in intron 6 of the NXF5 gene. It is expected to disrupt RNA splicing. Variants that disrupt the donor or acceptor splice site typically lead to a loss of protein function (PMID: 16199547), however the current clinical and genetic evidence is not sufficient to establish whether loss-of-function variants in NXF5 cause disease. This variant is present in population databases (rs751729012, gnomAD 0.06%), and has an allele count higher than expected for a pathogenic variant. This variant has not been reported in the literature in individuals affected with NXF5-related conditions. Algorithms developed to predict the effect of sequence changes on RNA splicing suggest that this variant may disrupt the consensus splice site. In summary, the available evidence is currently insufficient to determine the role of this variant in disease. Therefore, it has been classified as a Variant of Uncertain Significance.

Literature cited by the submitters: PubMed 16199547.